The following is an entry in ClinVar:

NM_000218.3(KCNQ1):c.1033-13C>T

Gene: KCNQ1 (potassium voltage-gated channel subfamily Q member 1; plus strand). Cytogenetic location: 11p15.5.
Variant type: single nucleotide variant.
Coding change: c.1033-13C>T on transcript NM_000218.3 (MANE Select); 13 bases into the intron before coding-DNA position 1033, C replaced by T.
Molecular consequence: intron variant.
Genome position (GRCh38, 1-based): chr11:2,585,199, C>T. VCF-style: chr11-2585199-C-T. GRCh37 (hg19) VCF-style: chr11-2606429-C-T.
Other names: c.763-13C>T (NM_001406837.1); c.1032+1654C>T (NM_001406836.1); c.588+1654C>T (NM_001406838.1); c.652-13C>T (NM_181798.2).
Identifiers: ClinVar variation 927164 (VCV000927164.13), dbSNP rs765281450, ClinGen allele CA026856.

ClinVar aggregate classification (germline): Likely benign. Review status: criteria provided, multiple submitters, no conflicts (2 of 4 stars). 3 submissions from 3 submitters: Likely benign (3). Last evaluated 2025-06-12.

Conditions:
Cardiac arrhythmia. Also called: Cardiac rhythm disease; Arrhythmia. Identifiers: MedGen C0003811, MONDO:0007263, HP:0011675.
Long QT syndrome (LQTS). Identifiers: MedGen C0023976, MeSH D008133, MONDO:0002442. Disease mechanism: loss of function. Inheritance: Various modes of inheritance.

Allele frequency attached by ClinVar (database versions not stated): gnomAD exomes below 0.00001; ExAC 0.00001; TOPMed 0.00002; gnomAD 0.00003 and 0.00004.
gnomAD v4.1: 7 of 1,611,718 alleles (0.00043%); highest among the groups gnomAD compares: African/African-American, 0.0093%; no homozygotes.

Submissions (3):

Labcorp Genetics (formerly Invitae), Labcorp
Classification: Likely benign for Long QT syndrome. Last evaluated: 2025-06-12. Review status: criteria provided, single submitter. Criteria: Invitae Variant Classification Sherloc (09022015). Collection method: clinical testing. Allele origin: germline.

All of Us Research Program, National Institutes of Health
Classification: Likely benign for Long QT syndrome. Last evaluated: 2023-02-24. Review status: criteria provided, single submitter. Criteria: ACMG Guidelines, 2015. Collection method: clinical testing. Allele origin: germline. Inheritance: Autosomal dominant inheritance. Observed: 1 variant allele, 1 heterozygote.
Comment: This study involves interpretation of variants in research participants for the purpose of population health screening. Participant phenotype was not available at the time of variant classification. Additional details can be found in publication PMID: 35346344, PMCID: PMC8962531

Color Diagnostics, LLC DBA Color Health
Classification: Likely benign for Arrhythmia. Last evaluated: 2018-11-16. Review status: criteria provided, single submitter. Criteria: ACMG Guidelines, 2015. Collection method: clinical testing. Allele origin: germline.